The following is an entry in ClinVar:

NM_004589.4(SCO1):c.261del (p.Ser88fs)

Gene: SCO1 (synthesis of cytochrome C oxidase 1; minus strand). Cytogenetic location: 17p13.1.
Variant type: Deletion.
Coding change: c.261del on transcript NM_004589.4 (MANE Select); coding-DNA position 261, one base deleted (C; older notation c.261delC).
Protein change: p.Ser88fs; shifts the reading frame from serine 88.
Molecular consequence: frameshift variant.
Genome position (GRCh38, 1-based): chr17:10,697,247, G deleted on the plus strand (C on the coding strand, the reverse complement: SCO1 is on the minus strand); the first of 4 consecutive G bases (chr17:10,697,247-10,697,250); deleting any one gives the same sequence. VCF-style (leftmost placement, unchanged base first): chr17-10697246-AG-A. GRCh37 (hg19) VCF-style: chr17-10600563-AG-A.
Other names: c.261del (NM_004589.2); short protein forms S88fs.
Identifiers: ClinVar variation 418798 (VCV000418798.10), dbSNP rs770131276, ClinGen allele CA8393676.

ClinVar aggregate classification (germline): Pathogenic/Likely pathogenic. Review status: criteria provided, multiple submitters, no conflicts (2 of 4 stars). 3 submissions from 3 submitters: Pathogenic (1); Likely pathogenic (2). Last evaluated 2026-02-02.

Conditions:
Mitochondrial complex IV deficiency, nuclear type 4. Also called: Mitochondrial complex 4 deficiency, nuclear type 4. Identifiers: MedGen C5436683, MONDO:0033636, OMIM 619048.

Submissions (3):

GeneDx
Classification: Likely pathogenic. Last evaluated: 2026-02-02. Review status: criteria provided, single submitter. Criteria: GeneDx Variant Classification Process June 2021. Collection method: clinical testing. Allele origin: germline. Affected: yes.
Comment: Has been listed in the published literature as a heterozygous variant in a single individual who was part of a precision medicine study to integrate whole genome sequencing with deep phenotyping; specific clinical details on the patient were not specified (PMID: 31980526); Frameshift variant predicted to result in protein truncation or nonsense mediated decay in a gene for which loss of function is a known mechanism of disease; Not observed at significant frequency in large population cohorts (gnomAD); This variant is associated with the following publications: (PMID: 31980526)

Fulgent Genetics
Classification: Likely pathogenic for Mitochondrial complex IV deficiency, nuclear type 4. Last evaluated: 2024-03-08. Review status: criteria provided, single submitter. Criteria: ACMG Guidelines, 2015. Collection method: clinical testing. Allele origin: germline.

Labcorp Genetics (formerly Invitae), Labcorp
Classification: Pathogenic. Last evaluated: 2022-07-05. Review status: criteria provided, single submitter. Criteria: Invitae Variant Classification Sherloc (09022015). Collection method: clinical testing. Allele origin: germline.
Comment: This sequence change creates a premature translational stop signal (p.Ser88Argfs*11) in the SCO1 gene. It is expected to result in an absent or disrupted protein product. Loss-of-function variants in SCO1 are known to be pathogenic (PMID: 11013136, 23878101). The frequency data for this variant in the population databases is considered unreliable, as metrics indicate poor data quality at this position in the gnomAD database. This variant has not been reported in the literature in individuals affected with SCO1-related conditions. ClinVar contains an entry for this variant (Variation ID: 418798). For these reasons, this variant has been classified as Pathogenic.

Literature cited by the submitters: PubMed 11013136 (cited by Labcorp Genetics (formerly Invitae), Labcorp); PubMed 23878101 (cited by Labcorp Genetics (formerly Invitae), Labcorp).